The following is an entry in ClinVar:

ClinVar aggregate classification (germline): Uncertain significance. Review status: criteria provided, multiple submitters, no conflicts (2 of 4 stars). 3 submissions from 3 submitters: Uncertain significance (3). Last evaluated 2025-09-10.

Conditions:
Juvenile polyposis syndrome (JPS). Identifiers: Orphanet 2929, MedGen C0345893, MONDO:0017380, OMIM 174900.
Hereditary cancer-predisposing syndrome. Also called: Tumor predisposition; Hereditary Cancer Syndrome; Neoplastic Syndromes, Hereditary; Hereditary neoplastic syndrome. Identifiers: Orphanet 140162, MedGen C0027672, MeSH D009386, MONDO:0015356.

Allele frequency attached by ClinVar (database versions not stated): gnomAD exomes below 0.00001.
gnomAD v4.1: 3 of 1,614,168 alleles (0.00019%); highest among the groups gnomAD compares: Non-Finnish European, 0.00025%; no homozygotes.

Submissions (3):

Labcorp Genetics (formerly Invitae), Labcorp
Classification: Uncertain significance for Juvenile polyposis syndrome. Last evaluated: 2025-09-10. Review status: criteria provided, single submitter. Criteria: Invitae Variant Classification Sherloc (09022015). Collection method: clinical testing. Allele origin: germline.
Comment: This sequence change replaces glutamic acid, which is acidic and polar, with alanine, which is neutral and non-polar, at codon 276 of the BMPR1A protein (p.Glu276Ala). This variant is not present in population databases (gnomAD no frequency). This variant has not been reported in the literature in individuals affected with BMPR1A-related conditions. ClinVar contains an entry for this variant (Variation ID: 861972). Invitae Evidence Modeling incorporating data from in vitro experimental studies (internal data) indicates that this missense variant is not expected to disrupt BMPR1A function with a negative predictive value of 95%. In summary, the available evidence is currently insufficient to determine the role of this variant in disease. Therefore, it has been classified as a Variant of Uncertain Significance.

Ambry Genetics
Classification: Uncertain significance for Hereditary cancer-predisposing syndrome. Last evaluated: 2025-03-11. Review status: criteria provided, single submitter. Criteria: Ambry Variant Classification Scheme 2023. Collection method: clinical testing. Allele origin: germline.
Comment: The p.E276A variant (also known as c.827A>C), located in coding exon 7 of the BMPR1A gene, results from an A to C substitution at nucleotide position 827. The glutamic acid at codon 276 is replaced by alanine, an amino acid with dissimilar properties. This amino acid position is highly conserved in available vertebrate species. In addition, this alteration is predicted to be deleterious by in silico analysis. Based on the available evidence, the clinical significance of this variant remains unclear.

All of Us Research Program, National Institutes of Health
Classification: Uncertain significance for Juvenile polyposis syndrome. Last evaluated: 2024-01-11. Review status: criteria provided, single submitter. Criteria: ACMG Guidelines, 2015. Collection method: clinical testing. Allele origin: germline. Inheritance: Autosomal dominant inheritance. Observed: 1 variant allele, 1 heterozygote.
Comment: This study involves interpretation of variants in research participants for the purpose of population health screening. Participant phenotype was not available at the time of variant classification. Additional details can be found in publication PMID: 35346344, PMCID: PMC8962531

NM_004329.3(BMPR1A):c.827A>C (p.Glu276Ala)

Gene: BMPR1A (bone morphogenetic protein receptor type 1A; plus strand). Cytogenetic location: 10q23.2.
Variant type: single nucleotide variant.
Coding change: c.827A>C on transcript NM_004329.3 (MANE Select); coding-DNA position 827, A replaced by C.
Protein change: p.Glu276Ala; replaces glutamic acid 276 with alanine.
Molecular consequence: missense variant.
Genome position (GRCh38, 1-based): chr10:86,917,285, A>C. VCF-style: chr10-86917285-A-C. GRCh37 (hg19) VCF-style: chr10-88677042-A-C.
Other names: short protein forms E276A.
Identifiers: ClinVar variation 861972 (VCV000861972.14), dbSNP rs1843587797, ClinGen allele CA377458550.